The following is an entry in ClinVar:

ClinVar aggregate classification (germline): Uncertain significance (1 of 4 stars; one submission).

Conditions:
Fanconi anemia (FA). Also called: Fanconi's anemia. Identifiers: Orphanet 84, MedGen C0015625, MeSH D005199, MONDO:0019391.

gnomAD v4.1: 7 of 1,613,580 alleles (0.00043%); highest among the groups gnomAD compares: South Asian, 0.0033%; no homozygotes.

Submission:

Labcorp Genetics (formerly Invitae), Labcorp
Classification: Uncertain significance for Fanconi anemia. Last evaluated: 2024-12-04. Review status: criteria provided, single submitter. Criteria: Invitae Variant Classification Sherloc (09022015). Collection method: clinical testing. Allele origin: germline.
Comment: This sequence change replaces arginine, which is basic and polar, with histidine, which is basic and polar, at codon 579 of the FANCM protein (p.Arg579His). This variant is present in population databases (rs754516367, gnomAD 0.003%). This variant has not been reported in the literature in individuals affected with FANCM-related conditions. An algorithm developed to predict the effect of missense changes on protein structure and function (PolyPhen-2) suggests that this variant is likely to be disruptive. In summary, the available evidence is currently insufficient to determine the role of this variant in disease. Therefore, it has been classified as a Variant of Uncertain Significance.

NM_020937.4(FANCM):c.1736G>A (p.Arg579His)

Gene: FANCM (FA complementation group M; plus strand). Cytogenetic location: 14q21.2.
Variant type: single nucleotide variant.
Coding change: c.1736G>A on transcript NM_020937.4 (MANE Select); coding-DNA position 1736, G replaced by A.
Protein change: p.Arg579His; replaces arginine 579 with histidine.
Molecular consequence: missense variant.
Genome position (GRCh38, 1-based): chr14:45,164,513, G>A. VCF-style: chr14-45164513-G-A. GRCh37 (hg19) VCF-style: chr14-45633716-G-A.
Other names: c.1658G>A, p.Arg553His (NM_001308133.2); c.1736G>A, p.Arg579His (NM_001308134.2); short protein forms R553H, R579H.
Identifiers: ClinVar variation 3667067 (VCV003667067.2).